The following is an entry in ClinVar:

ClinVar aggregate classification (germline): Uncertain significance (1 of 4 stars; one submission).

Conditions:
Inborn genetic diseases. Identifiers: MedGen C0950123, MeSH D030342.

Submission:

Ambry Genetics
Classification: Uncertain significance for Inborn genetic diseases. Last evaluated: 2026-04-11. Review status: criteria provided, single submitter. Criteria: Ambry Variant Classification Scheme 2023. Collection method: clinical testing. Allele origin: germline.
Comment: The p.H366Q variant (also known as c.1098C>G), located in coding exon 5 of the SH2B3 gene, results from a C to G substitution at nucleotide position 1098. The histidine at codon 366 is replaced by glutamine, an amino acid with highly similar properties. This amino acid position is conserved. In addition, this alteration is predicted to be deleterious by in silico analysis. Based on the available evidence, the clinical significance of this variant remains unclear.

NM_005475.3(SH2B3):c.1098C>G (p.His366Gln)

Gene: SH2B3 (SH2B adaptor protein 3; plus strand). Cytogenetic location: 12q24.12.
Variant type: single nucleotide variant.
Coding change: c.1098C>G on transcript NM_005475.3 (MANE Select); coding-DNA position 1098, C replaced by G.
Protein change: p.His366Gln; replaces histidine 366 with glutamine.
Molecular consequence: missense variant.
Genome position (GRCh38, 1-based): chr12:111,447,406, C>G. VCF-style: chr12-111447406-C-G. GRCh37 (hg19) VCF-style: chr12-111885210-C-G.
Other names: c.492C>G, p.His164Gln (NM_001291424.1); short protein forms H164Q, H366Q.
Identifiers: ClinVar variation 4864416 (VCV004864416.1).
Genomic context (GRCh38, chr12:111,447,406, plus strand): 5'-GCTGCTGGACCCGGCCTGCCAGAAGACGGACCATTTCCTGTCCTGCTACCCCTGGTTCCA[C>G]GGCCCCATCTCCAGAGTGAAAGCAGCTCAGCTGGTTCAGCTGCAGGGCCCTGATGCTCAT-3'
Protein context (NP_005466.1, residues 356-376): DHFLSCYPWF[His366Gln]GPISRVKAAQ